The following is an entry in ClinVar:

ClinVar aggregate classification (germline): Pathogenic. Review status: criteria provided, multiple submitters, no conflicts (2 of 4 stars). 4 submissions from 4 submitters: Pathogenic (3). 1 of the submissions does not count toward it. Last evaluated 2024-06-28.

Conditions:
CCM2-related disorder. Also called: CCM2-related condition.
Cerebral cavernous malformation 2. Also called: Familial Cerebral Cavernous Malformation 2. Identifiers: Orphanet 221061, MedGen C1864041, MONDO:0011304, OMIM 603284.

Submissions (4):

Blueprint Genetics
Classification: Pathogenic for CCM2-related disorders. Last evaluated: 2024-06-28. Review status: criteria provided, single submitter. Criteria: ACMG Guidelines, 2015. Collection method: clinical testing. Allele origin: germline. Affected: yes. Observed: 5 variant alleles.

GeneDx
Classification: Pathogenic. Last evaluated: 2021-07-07. Review status: criteria provided, single submitter. Criteria: GeneDx Variant Classification Process June 2021. Collection method: clinical testing. Allele origin: germline. Affected: yes.
Comment: Not observed at significant frequency in large population cohorts (Lek et al., 2016); Nonsense variant predicted to result in protein truncation or nonsense mediated decay in a gene for which loss-of-function is a known mechanism of disease; This variant is associated with the following publications: (PMID: 27535533, 14624391, 27722904, 27423615, 25525159)

Labcorp Genetics (formerly Invitae), Labcorp
Classification: Pathogenic for Cerebral cavernous malformation 2. Last evaluated: 2021-06-08. Review status: criteria provided, single submitter. Criteria: Invitae Variant Classification Sherloc (09022015). Collection method: clinical testing. Allele origin: germline.
Comment: For these reasons, this variant has been classified as Pathogenic. This variant has been observed in individual(s) with cerebral cavernous malformations (PMID: 14624391). ClinVar contains an entry for this variant (Variation ID: 2681). This variant is not present in population databases (ExAC no frequency). This sequence change creates a premature translational stop signal (p.Gln107*) in the CCM2 gene. It is expected to result in an absent or disrupted protein product. Loss-of-function variants in CCM2 are known to be pathogenic (PMID: 18300272, 24689081).

OMIM
Classification: Pathogenic for CEREBRAL CAVERNOUS MALFORMATIONS 2. Last evaluated: 2003-12-01. Review status: no assertion criteria provided. Collection method: literature only. Allele origin: germline. Not counted in ClinVar's aggregate classification.

Literature cited by the submitters: PubMed 14624391 (cited by Labcorp Genetics (formerly Invitae), Labcorp and OMIM); PubMed 18300272 (cited by Labcorp Genetics (formerly Invitae), Labcorp); PubMed 24689081 (cited by Labcorp Genetics (formerly Invitae), Labcorp).

NM_031443.4(CCM2):c.319C>T (p.Gln107Ter)

Gene: CCM2 (CCM2 scaffold protein; plus strand). Cytogenetic location: 7p13.
Variant type: single nucleotide variant.
Coding change: c.319C>T on transcript NM_031443.4 (MANE Select); coding-DNA position 319, C replaced by T.
Protein change: p.Gln107Ter; replaces glutamine 107 with a stop codon.
Molecular consequence: nonsense. On other transcripts: non-coding transcript variant (1).
Genome position (GRCh38, 1-based): chr7:45,064,493, C>T. VCF-style: chr7-45064493-C-T. GRCh37 (hg19) VCF-style: chr7-45104092-C-T.
Other names: c.382C>T, p.Gln128Ter (NM_001029835.2); c.145C>T, p.Gln49Ter (NM_001167934.2, NM_001363459.2); c.319C>T, p.Gln107Ter (NM_001167935.2, NM_001363458.2); short protein forms Q107*, Q128*, Q49*.
Identifiers: ClinVar variation 2681 (VCV000002681.15), dbSNP rs137852841, ClinGen allele CA252392.
Genomic context (GRCh38, chr7:45,064,493, plus strand): 5'-GTATTTCTGATGCCCTGTGGTTCCTTCCAGAGAGCCCACCAGCTTCCGGGACACTTGACT[C>T]AGGAGCACGATGCTGTGCTCAGCCTGTCTGCGTACAACGTCAAGCTGGCCTGGAGGGACG-3'